The following is an entry in ClinVar:

NM_000282.4(PCCA):c.320del (p.Asp107fs)

Gene: PCCA (propionyl-CoA carboxylase subunit alpha; plus strand). Cytogenetic location: 13q32.3.
Variant type: Deletion.
Coding change: c.320del on transcript NM_000282.4 (MANE Select); coding-DNA position 320, one base deleted (A; older notation c.320delA).
Protein change: p.Asp107fs; shifts the reading frame from aspartic acid 107.
Molecular consequence: frameshift variant. On other transcripts: 5 prime UTR variant (3), non-coding transcript variant (5).
Genome position (GRCh38, 1-based): chr13:100,154,998, A deleted. VCF-style (leftmost placement, unchanged base first): chr13-100154997-GA-G. GRCh37 (hg19) VCF-style: chr13-100807251-GA-G.
Other names: c.242del, p.Asp81fs (NM_001127692.3, NM_001352607.2, NM_001352608.2); c.320del, p.Asp107fs (NM_001178004.2, NM_001352605.2, NM_001352606.2 and 1 more transcripts); c.-547del (NM_001352610.2, NM_001352611.2, NM_001352612.2); short protein forms D81fs, D107fs.
Identifiers: ClinVar variation 4996084 (VCV004996084.1).

ClinVar aggregate classification (germline): Likely pathogenic (1 of 4 stars; one submission).

Conditions:
PCCA-related disorder. Also called: PCCA-related condition.

Submission:

PreventionGenetics, part of Exact Sciences
Classification: Likely pathogenic for PCCA-related condition. Last evaluated: 2026-04-14. Review status: criteria provided, single submitter. Criteria: ACMG Guidelines, 2015. Collection method: clinical testing. Allele origin: germline.
Comment: The PCCA c.320delA variant is predicted to result in a frameshift and premature protein termination (p.Asp107Valfs*77). To our knowledge, this variant has not been reported in the literature or in a large population database (gnomAD), indicating this variant is rare. Frameshift variants in PCCA are expected to be pathogenic. This variant is interpreted as likely pathogenic.